The following is an entry in ClinVar:

NM_006087.4(TUBB4A):c.557C>T (p.Thr186Met)

Gene: TUBB4A (tubulin beta 4A class IVa; minus strand). Cytogenetic location: 19p13.3.
Variant type: single nucleotide variant.
Coding change: c.557C>T on transcript NM_006087.4 (MANE Select); coding-DNA position 557, C replaced by T.
Protein change: p.Thr186Met; replaces threonine 186 with methionine.
Molecular consequence: missense variant.
Genome position (GRCh38, 1-based): chr19:6,495,942, G>A on the plus strand (C>T on the coding strand, the complement: TUBB4A is on the minus strand). VCF-style: chr19-6495942-G-A. GRCh37 (hg19) VCF-style: chr19-6495953-G-A.
Other names: c.557C>T (NM_006087.2, NM_006087.3); c.710C>T, p.Thr237Met (NM_001289123.2); c.692C>T, p.Thr231Met (NM_001289127.2); c.557C>T, p.Thr186Met (NM_001289129.2); c.341C>T, p.Thr114Met (NM_001289130.2, NM_001289131.2); short protein forms T114M, T186M, T231M, T237M.
Identifiers: ClinVar variation 930564 (VCV000930564.6), dbSNP rs1914148166, ClinGen allele CA403592020.

ClinVar aggregate classification (germline): Uncertain significance. Review status: criteria provided, multiple submitters, no conflicts (2 of 4 stars). 3 submissions from 3 submitters: Uncertain significance (3). Last evaluated 2026-03-30.

Conditions:
Leukodystrophy, hypomyelinating, 6. Also called: TUBB4A-Associated Leukodystrophy; LEUKODYSTROPHY, HYPOMYELINATING, WITH ATROPHY OF THE BASAL GANGLIA AND CEREBELLUM; Hypomyelination with Atrophy of Basal Ganglia and Cerebellum (H-ABC). Identifiers: Orphanet 139441, MedGen C2676244, MONDO:0012905, OMIM 612438.

gnomAD v4.1: 1 of 1,614,208 alleles (0.000062%); highest among the groups gnomAD compares: Non-Finnish European, 0.000085%; no homozygotes.

Submissions (3):

GeneDx
Classification: Uncertain significance. Last evaluated: 2026-03-30. Review status: criteria provided, single submitter. Criteria: GeneDx Variant Classification Process June 2021. Collection method: clinical testing. Allele origin: germline.
Comment: Reported in the heterozygous state in three siblings with intellectual disability, thin corpus callosum, brisk lower limb reflexes, and ankle clonus (PMID: 32720309); In silico analysis supports that this missense variant has a deleterious effect on protein structure/function; This variant is associated with the following publications: (PMID: 32720309)

Victorian Clinical Genetics Services, Murdoch Childrens Research Institute
Classification: Uncertain significance for Leukodystrophy, hypomyelinating, 6. Last evaluated: 2023-07-17. Review status: criteria provided, single submitter. Criteria: ACMG Guidelines, 2015. Collection method: clinical testing. Allele origin: germline. Inheritance: Autosomal dominant inheritance. Affected: yes.
Comment: Based on the classification scheme VCGS_Germline_v1.3.4, this variant is classified as VUS-3A. Following criteria are met: 0105 - The mechanism of disease for this gene is not clearly established, however dominant negative and loss of function have been reported (PMIDs: 28973395, 33027950). (I) 0107 - This gene is associated with autosomal dominant disease. (I) 0200 - Variant is predicted to result in a missense amino acid change from threonine to methionine. (I) 0251 - This variant is heterozygous. (I) 0301 - Variant is absent from gnomAD (both v2 and v3). (SP) 0502 - Missense variant with conflicting in silico predictions and uninformative conservation. (I) 0600 - Variant is located in the annotated tubulin domain (DECIPHER). (I) 0705 - No comparable missense variants have previous evidence for pathogenicity. (I) 0803 - This variant has limited previous evidence of pathogenicity in unrelated individuals. This variant has been observed in three siblings with hereditary spastic paraplegia, intellectual disability and corpus callosum thinning (PMID: 32720309). This variant was also classified as a VUS by a clinical laboratory in ClinVar. (SP) 1007 - No published functional evidence has been identified for this variant. (I) 1208 - Inheritance information for this variant is not currently available in this individual. (I) Legend: (SP) - Supporting pathogenic, (I) - Information, (SB) - Supporting benign

Centre for Mendelian Genomics, University Medical Centre Ljubljana
Classification: Uncertain significance for Leukodystrophy, hypomyelinating, 6. Last evaluated: 2019-08-22. Review status: criteria provided, single submitter. Criteria: ACMG Guidelines, 2015. Collection method: clinical testing. Allele origin: unknown. Affected: yes.
Comment: This variant was classified as: Uncertain significance. The available evidence on this variant's pathogenicity is insufficient or conflicting. The following ACMG criteria were applied in classifying this variant: PM2,PP3.

Literature cited by the submitters: PubMed 28973395 (cited by Victorian Clinical Genetics Services, Murdoch Childrens Research Institute); PubMed 32720309 (cited by Victorian Clinical Genetics Services, Murdoch Childrens Research Institute); PubMed 33027950 (cited by Victorian Clinical Genetics Services, Murdoch Childrens Research Institute).